The following is an entry in ClinVar:

NM_000548.5(TSC2):c.1981G>C (p.Gly661Arg)

Gene: TSC2 (TSC complex subunit 2; plus strand). Cytogenetic location: 16p13.3.
Variant type: single nucleotide variant.
Coding change: c.1981G>C on transcript NM_000548.5 (MANE Select); coding-DNA position 1981, G replaced by C.
Protein change: p.Gly661Arg; replaces glycine 661 with arginine.
Molecular consequence: missense variant.
Genome position (GRCh38, 1-based): chr16:2,071,818, G>C. VCF-style: chr16-2071818-G-C. GRCh37 (hg19) VCF-style: chr16-2121819-G-C.
Other names: c.1981G>C, p.Gly661Arg (NM_001077183.3, NM_001114382.3, NM_001363528.2 and 3 more transcripts); c.1870G>C, p.Gly624Arg (NM_001318827.2); c.1834G>C, p.Gly612Arg (NM_001318829.2); c.1381G>C, p.Gly461Arg (NM_001318831.2); c.2014G>C, p.Gly672Arg (NM_001318832.2); short protein forms G661R, G461R, G612R, G672R, G624R.
Identifiers: ClinVar variation 49697 (VCV000049697.10), dbSNP rs137854168, ClinGen allele CA016388.

ClinVar aggregate classification (germline): Uncertain significance. Review status: criteria provided, multiple submitters, no conflicts (2 of 4 stars). 5 submissions from 5 submitters: Uncertain significance (4). 1 of the submissions does not count toward it. Last evaluated 2025-10-13.

Conditions:
Hereditary cancer-predisposing syndrome. Also called: Neoplastic Syndromes, Hereditary; Tumor predisposition; Hereditary Cancer Syndrome; Hereditary neoplastic syndrome. Identifiers: Orphanet 140162, MedGen C0027672, MeSH D009386, MONDO:0015356.
Tuberous sclerosis 2 (TSC2). Identifiers: Orphanet 805, MedGen C1860707, MONDO:0013199, OMIM 613254.
Tuberous sclerosis syndrome (TSC). Also called: Tuberous Sclerosis Complex; Tuberous sclerosis. Identifiers: Orphanet 805, MedGen C0041341, MONDO:0001734.

gnomAD v4.1: 1 of 1,601,180 alleles (0.000062%); highest among the groups gnomAD compares: East Asian, 0.0023%; no homozygotes.

Submissions (5):

Labcorp Genetics (formerly Invitae), Labcorp
Classification: Uncertain significance for Tuberous sclerosis 2. Last evaluated: 2025-10-13. Review status: criteria provided, single submitter. Criteria: Invitae Variant Classification Sherloc (09022015). Collection method: clinical testing. Allele origin: germline.
Comment: This sequence change replaces glycine, which is neutral and non-polar, with arginine, which is basic and polar, at codon 661 of the TSC2 protein (p.Gly661Arg). This variant is not present in population databases (gnomAD no frequency). This missense change has been observed in individual(s) with clinical features of tuberous sclerosis complex (PMID: 22903760). ClinVar contains an entry for this variant (Variation ID: 49697). Invitae Evidence Modeling of protein sequence and biophysical properties (such as structural, functional, and spatial information, amino acid conservation, physicochemical variation, residue mobility, and thermodynamic stability) indicates that this missense variant is not expected to disrupt TSC2 protein function with a negative predictive value of 95%. Experimental studies have shown that this missense change does not substantially affect TSC2 function (PMID: 22903760). In summary, the available evidence is currently insufficient to determine the role of this variant in disease. Therefore, it has been classified as a Variant of Uncertain Significance.

Color Diagnostics, LLC DBA Color Health
Classification: Uncertain significance for Tuberous sclerosis syndrome. Last evaluated: 2025-08-28. Review status: criteria provided, single submitter. Criteria: ACMG Guidelines, 2015. Collection method: clinical testing. Allele origin: germline.
Comment: This missense variant replaces glycine with arginine at codon 661 of the TSC2 protein. Computational prediction is inconclusive regarding the impact of this variant on protein structure and function. Experimental studies have shown that this variant functioned similar to wild-type TSC2 and did not impact the TSC1-TSC2 complex in the regulation of TORC1 signaling (PMID: 22903760). To our knowledge, this variant has not been reported in individuals affected with TSC2-related disorders in the literature. This variant has not been identified in the general population by the Genome Aggregation Database (gnomAD). The available evidence is insufficient to determine the role of this variant in disease conclusively. Therefore, this variant is classified as a Variant of Uncertain Significance.

Ambry Genetics
Classification: Uncertain significance for Hereditary cancer-predisposing syndrome. Last evaluated: 2025-01-14. Review status: criteria provided, single submitter. Criteria: Ambry Variant Classification Scheme 2023. Collection method: clinical testing. Allele origin: germline.
Comment: The p.G661R variant (also known as c.1981G>C), located in coding exon 18 of the TSC2 gene, results from a G to C substitution at nucleotide position 1981. The glycine at codon 661 is replaced by arginine, an amino acid with dissimilar properties. This amino acid position is highly conserved in available vertebrate species. In addition, the in silico prediction for this alteration is inconclusive. Based on the available evidence, the clinical significance of this variant remains unclear.

GeneDx
Classification: Uncertain significance. Last evaluated: 2022-04-12. Review status: criteria provided, single submitter. Criteria: GeneDx Variant Classification Process June 2021. Collection method: clinical testing. Allele origin: germline. Affected: yes.
Comment: Not observed at significant frequency in large population cohorts (gnomAD); In silico analysis supports that this missense variant has a deleterious effect on protein structure/function; Published functional studies demonstrate no damaging effect: variant does not significantly disrupt the function of the TSC1-TSC2 complex (Hoogeveen-Westerveld 2013); This variant is associated with the following publications: (PMID: 22903760)

Tuberous sclerosis database (TSC2)
No classification provided. Condition: TSC. Review status: no classification provided. Criteria: Tuberous Sclerosis Database Assertion Criteria 2015. Collection method: curation. Allele origin: germline. Affected: yes. Not counted in ClinVar's aggregate classification.

Literature cited by the submitters: PubMed 22903760 (cited by Labcorp Genetics (formerly Invitae), Labcorp and Color Diagnostics, LLC DBA Color Health).